The following is an entry in ClinVar:

ClinVar aggregate classification (germline): Uncertain significance. Review status: criteria provided, multiple submitters, no conflicts (2 of 4 stars). 2 submissions from 2 submitters: Uncertain significance (2). Last evaluated 2024-07-01.

Allele frequency attached by ClinVar (database versions not stated): gnomAD exomes below 0.00001.
gnomAD v4.1: 2 of 1,614,022 alleles (0.00012%); highest among the groups gnomAD compares: Non-Finnish European, 0.00017%; no homozygotes.

Submissions (2):

Labcorp Genetics (formerly Invitae), Labcorp
Classification: Uncertain significance. Last evaluated: 2024-07-01. Review status: criteria provided, single submitter. Criteria: Invitae Variant Classification Sherloc (09022015). Collection method: clinical testing. Allele origin: germline.
Comment: This sequence change replaces threonine, which is neutral and polar, with serine, which is neutral and polar, at codon 1583 of the VCAN protein (p.Thr1583Ser). This variant is not present in population databases (gnomAD no frequency). This variant has not been reported in the literature in individuals affected with VCAN-related conditions. ClinVar contains an entry for this variant (Variation ID: 1484450). Algorithms developed to predict the effect of missense changes on protein structure and function output the following: SIFT: "Not Available"; PolyPhen-2: "Benign"; Align-GVGD: "Not Available". The serine amino acid residue is found in multiple mammalian species, which suggests that this missense change does not adversely affect protein function. In summary, the available evidence is currently insufficient to determine the role of this variant in disease. Therefore, it has been classified as a Variant of Uncertain Significance.

Blueprint Genetics
Classification: Uncertain significance. Last evaluated: 2020-04-09. Review status: criteria provided, single submitter. Criteria: ACMG Guidelines, 2015. Collection method: clinical testing. Allele origin: germline.

NM_004385.5(VCAN):c.4748C>G (p.Thr1583Ser)

Genes: VCAN (versican; plus strand), VCAN-AS1 (VCAN antisense RNA 1; minus strand). Cytogenetic location: 5q14.3.
Variant type: single nucleotide variant.
Coding change: c.4748C>G on transcript NM_004385.5 (MANE Select); coding-DNA position 4748, C replaced by G.
Protein change: p.Thr1583Ser; replaces threonine 1583 with serine.
Molecular consequence: missense variant. On other transcripts: intron variant (2).
Genome position (GRCh38, 1-based): chr5:83,537,751, C>G. VCF-style: chr5-83537751-C-G. GRCh37 (hg19) VCF-style: chr5-82833570-C-G.
Other names: c.1787C>G, p.Thr596Ser (NM_001164097.2); c.4004-7786C>G (NM_001164098.2); c.1043-7786C>G (NM_001126336.3); short protein forms T596S, T1583S.
Identifiers: ClinVar variation 1484450 (VCV001484450.9), dbSNP rs1580040960, ClinGen allele CA360308923.